The following is an entry in ClinVar:

NM_014991.6(WDFY3):c.5871G>A (p.Pro1957=)

Gene: WDFY3 (WD repeat and FYVE domain containing 3; minus strand). Cytogenetic location: 4q21.23.
Variant type: single nucleotide variant.
Coding change: c.5871G>A on transcript NM_014991.6 (MANE Select); coding-DNA position 5871, G replaced by A.
Protein change: p.Pro1957=; no amino-acid change (proline 1957 retained).
Molecular consequence: synonymous variant.
Genome position (GRCh38, 1-based): chr4:84,751,585, C>T on the plus strand (G>A on the coding strand, the complement: WDFY3 is on the minus strand). VCF-style: chr4-84751585-C-T. GRCh37 (hg19) VCF-style: chr4-85672738-C-T.
Identifiers: ClinVar variation 2654869 (VCV002654869.25), dbSNP rs143366704, ClinGen allele CA2992961.

ClinVar aggregate classification (germline): Likely benign. Review status: criteria provided, multiple submitters, no conflicts (2 of 4 stars). 2 submissions from 2 submitters: Likely benign (2). Last evaluated 2024-11-12.

Allele frequency attached by ClinVar (database versions not stated): 1000 Genomes Project 30x 0.00016; 1000 Genomes Project 0.00020.
gnomAD v4.1: 568 of 1,614,038 alleles (0.035%); highest among the groups gnomAD compares: Middle Eastern, 0.049%; no homozygotes.

Submissions (2):

Blueprint Genetics
Classification: Likely benign. Last evaluated: 2024-11-12. Review status: criteria provided, single submitter. Criteria: ACMG Guidelines, 2015. Collection method: clinical testing. Allele origin: germline.

CeGaT Center for Human Genetics Tuebingen
Classification: Likely benign. Last evaluated: 2024-08-01. Review status: criteria provided, single submitter. Criteria: CeGaT Center For Human Genetics Tuebingen Variant Classification Criteria Version 2. Collection method: clinical testing. Allele origin: germline. Affected: yes. Observed: 4 variant alleles.
Comment: WDFY3: BP4, BP7